The following is an entry in ClinVar:

NM_030962.4(SBF2):c.763A>G (p.Ile255Val)

Gene: SBF2 (SET binding factor 2; minus strand). Cytogenetic location: 11p15.4.
Variant type: single nucleotide variant.
Coding change: c.763A>G on transcript NM_030962.4 (MANE Select); coding-DNA position 763, A replaced by G.
Protein change: p.Ile255Val; replaces isoleucine 255 with valine.
Molecular consequence: missense variant.
Genome position (GRCh38, 1-based): chr11:10,001,012, T>C on the plus strand (A>G on the coding strand, the complement: SBF2 is on the minus strand). VCF-style: chr11-10001012-T-C. GRCh37 (hg19) VCF-style: chr11-10022559-T-C.
Other names: c.763A>G, p.Ile255Val (NM_001386342.1, NM_001386339.1); short protein forms I255V.
Identifiers: ClinVar variation 664939 (VCV000664939.9), dbSNP rs1259744769, ClinGen allele CA379642079.

ClinVar aggregate classification (germline): Uncertain significance (1 of 4 stars; one submission).

Conditions:
Charcot-Marie-Tooth disease type 4. Also called: Charcot-Marie-Tooth, Type 4; Charcot-Marie-Tooth disease, type IV. Identifiers: Orphanet 64749, MedGen C4082197, MONDO:0018995.

Allele frequency attached by ClinVar (database versions not stated): TOPMed below 0.00001; gnomAD 0.00001; gnomAD exomes 0.00001.
gnomAD v4.1: 9 of 1,559,772 alleles (0.00058%); highest among the groups gnomAD compares: Non-Finnish European, 0.00071%; no homozygotes.

Submission:

Labcorp Genetics (formerly Invitae), Labcorp
Classification: Uncertain significance for Charcot-Marie-Tooth disease type 4. Last evaluated: 2018-08-03. Review status: criteria provided, single submitter. Criteria: Invitae Variant Classification Sherloc (09022015). Collection method: clinical testing. Allele origin: germline.
Comment: This sequence change replaces isoleucine with valine at codon 255 of the SBF2 protein (p.Ile255Val). The isoleucine residue is highly conserved and there is a small physicochemical difference between isoleucine and valine. This variant is not present in population databases (ExAC no frequency). This variant has not been reported in the literature in individuals with SBF2-related disease. Algorithms developed to predict the effect of missense changes on protein structure and function (SIFT, PolyPhen-2, Align-GVGD) all suggest that this variant is likely to be tolerated, but these predictions have not been confirmed by published functional studies and their clinical significance is uncertain. In summary, the available evidence is currently insufficient to determine the role of this variant in disease. Therefore, it has been classified as a Variant of Uncertain Significance.